The following is an entry in ClinVar:

NM_015915.5(ATL1):c.1024C>G (p.Pro342Ala)

Gene: ATL1 (atlastin GTPase 1; plus strand). Cytogenetic location: 14q22.1.
Variant type: single nucleotide variant.
Coding change: c.1024C>G on transcript NM_015915.5 (MANE Select); coding-DNA position 1024, C replaced by G.
Protein change: p.Pro342Ala; replaces proline 342 with alanine.
Molecular consequence: missense variant.
Genome position (GRCh38, 1-based): chr14:50,621,876, C>G. VCF-style: chr14-50621876-C-G. GRCh37 (hg19) VCF-style: chr14-51088594-C-G.
Other names: c.1024C>G, p.Pro342Ala (NM_001127713.1, NM_181598.4); short protein forms P342A.
Identifiers: ClinVar variation 538579 (VCV000538579.11), dbSNP rs1555365509, ClinGen allele CA389673592.
Genomic context (GRCh38, chr14:50,621,876, plus strand): 5'-AACATGAATCTTTTTCTTTTTTTTTAGGCTTATATAAAGATCTATCAAGGTGAAGAATTA[C>G]CACATCCCAAATCCATGTTACAGGTATTTATTAATGAGGAGGCATGTTTTAAGACACGTG-3'
Protein context (NP_056999.2, residues 332-352): YIKIYQGEEL[Pro342Ala]HPKSMLQATA

ClinVar aggregate classification (germline): Conflicting classifications of pathogenicity. Review status: criteria provided, conflicting classifications (1 of 4 stars). 2 submissions from 2 submitters: Likely pathogenic (1); Uncertain significance (1). Last evaluated 2019-05-28.

Conditions:
Hereditary spastic paraplegia 3A (SPG3A). Also called: SPASTIC PARAPLEGIA 3, AUTOSOMAL DOMINANT; FAMILIAL SPASTIC PARAPLEGIA, AUTOSOMAL DOMINANT, 1; SPG3; STRUMPELL DISEASE; Spastic Paraplegia 3A; Spastic paraplegia 3A, autosomal dominant. Identifiers: Orphanet 100984, MedGen C2931355, MONDO:0008437, OMIM 182600.

Submissions (2):

Mendelics
Classification: Likely pathogenic for Hereditary spastic paraplegia 3A. Last evaluated: 2019-05-28. Review status: criteria provided, single submitter. Criteria: Mendelics Assertion Criteria 2017. Collection method: clinical testing. Allele origin: unknown.

Labcorp Genetics (formerly Invitae), Labcorp
Classification: Uncertain significance for Hereditary spastic paraplegia 3A. Last evaluated: 2017-11-03. Review status: criteria provided, single submitter. Criteria: Invitae Variant Classification Sherloc (09022015). Collection method: clinical testing. Allele origin: germline.
Comment: This sequence change replaces proline with alanine at codon 342 of the ATL1 protein (p.Pro342Ala). The proline residue is highly conserved and there is a small physicochemical difference between proline and alanine. This variant is not present in population databases (ExAC no frequency). Other missense substitutions at this codon (p.Pro342Gln and p.Pro342Ser) have been reported in individuals affected with hereditary spastic paraplegia (PMID: 23108492, 22552817). In summary, the available evidence is currently insufficient to determine the role of this variant in disease. Therefore, it has been classified as a Variant of Uncertain Significance. Algorithms developed to predict the effect of missense changes on protein structure and function (SIFT, PolyPhen-2, Align-GVGD) all suggest that this variant is likely to be disruptive, but these predictions have not been confirmed by published functional studies and their clinical significance is uncertain. This variant has not been reported in the literature in individuals with ATL1-related disease.

Literature cited by the submitters: PubMed 23108492 (cited by Labcorp Genetics (formerly Invitae), Labcorp); PubMed 22552817 (cited by Labcorp Genetics (formerly Invitae), Labcorp).